The following is an entry in ClinVar:

ClinVar aggregate classification (germline): Uncertain significance (1 of 4 stars; one submission).

Conditions:
Neuromuscular disease caused by qualitative or quantitative defects of dysferlin. Also called: Dysferlinopathy; Qualitative or quantitative defects of dysferlin. Identifiers: Orphanet 207073, MedGen C2931687, MONDO:0016145.

gnomAD v4.1: 3 of 1,614,008 alleles (0.00019%); highest among the groups gnomAD compares: Non-Finnish European, 0.00025%; no homozygotes.

Submission:

Labcorp Genetics (formerly Invitae), Labcorp
Classification: Uncertain significance for Neuromuscular disease caused by qualitative or quantitative defects of dysferlin. Last evaluated: 2021-03-31. Review status: criteria provided, single submitter. Criteria: Invitae Variant Classification Sherloc (09022015). Collection method: clinical testing. Allele origin: germline.
Comment: This sequence change replaces glycine with valine at codon 114 of the DYSF protein (p.Gly114Val). The glycine residue is moderately conserved and there is a moderate physicochemical difference between glycine and valine. This variant is present in population databases (rs779087093, ExAC 0.002%). This variant has not been reported in the literature in individuals with DYSF-related conditions. Algorithms developed to predict the effect of missense changes on protein structure and function are either unavailable or do not agree on the potential impact of this missense change (SIFT: "Deleterious"; PolyPhen-2: "Probably Damaging"; Align-GVGD: "Class C0"). In summary, the available evidence is currently insufficient to determine the role of this variant in disease. Therefore, it has been classified as a Variant of Uncertain Significance.

NM_001130987.2(DYSF):c.344G>T (p.Gly115Val)

Gene: DYSF (dysferlin; plus strand). Cytogenetic location: 2p13.2.
Variant type: single nucleotide variant.
Coding change: c.344G>T on transcript NM_001130987.2 (MANE Select); coding-DNA position 344, G replaced by T.
Protein change: p.Gly115Val; replaces glycine 115 with valine.
Molecular consequence: missense variant.
Genome position (GRCh38, 1-based): chr2:71,503,318, G>T. VCF-style: chr2-71503318-G-T. GRCh37 (hg19) VCF-style: chr2-71730448-G-T.
Other names: c.344G>T, p.Gly115Val (NM_001130455.2, NM_001130982.2, NM_001130983.2 and 3 more transcripts); c.341G>T, p.Gly114Val (NM_001130976.2, NM_001130977.2, NM_001130978.2 and 4 more transcripts); short protein forms G115V, G114V.
Identifiers: ClinVar variation 2175017 (VCV002175017.1), dbSNP rs779087093, ClinGen allele CA1705315.
Genomic context (GRCh38, chr2:71,503,318, plus strand): 5'-CCCCTAGTCTGTCCGCCAGCTTCAATGCCCCCCTGCTGGACACCAAGAAGCAGCCCACAG[G>T]GGTAAGTGCCCATCAGCCTCTGCCAGGTTAAGGTCCAAGGCATTGCCAGGTGGCTTCCTC-3'
Protein context (NP_001124459.1, residues 105-125): PLLDTKKQPT[Gly115Val]ASLVLQVSYT